The following is an entry in ClinVar:

NM_003244.4(TGIF1):c.268C>T (p.Arg90Cys)

Gene: TGIF1 (TGFB induced factor homeobox 1; plus strand). Cytogenetic location: 18p11.31.
Variant type: single nucleotide variant.
Coding change: c.268C>T on transcript NM_003244.4 (MANE Select); coding-DNA position 268, C replaced by T.
Protein change: p.Arg90Cys; replaces arginine 90 with cysteine.
Molecular consequence: missense variant.
Genome position (GRCh38, 1-based): chr18:3,457,389, C>T. VCF-style: chr18-3457389-C-T. GRCh37 (hg19) VCF-style: chr18-3457387-C-T.
Other names: c.277C>T, p.Arg93Cys (NM_001278682.2); c.268C>T, p.Arg90Cys (NM_001278684.2, NM_173208.3); c.208C>T, p.Arg70Cys (NM_001278686.3, NM_001374396.1, NM_001374397.1 and 5 more transcripts); c.310C>T, p.Arg104Cys (NM_173207.4); short protein forms R90C, R104C, R93C, R70C.
Identifiers: ClinVar variation 533431 (VCV000533431.8), dbSNP rs1555650923, ClinGen allele CA401723157.

ClinVar aggregate classification (germline): Pathogenic (1 of 4 stars; one submission).

Conditions:
Holoprosencephaly 4 (HPE4). Identifiers: Orphanet 2162, MedGen C1840528, MONDO:0007734, OMIM 142946.

Allele frequency attached by ClinVar (database versions not stated): gnomAD exomes below 0.00001.
gnomAD v4.1: 2 of 1,614,176 alleles (0.00012%); highest among the groups gnomAD compares: South Asian, 0.0011%; no homozygotes.

Submission:

Labcorp Genetics (formerly Invitae), Labcorp
Classification: Pathogenic for Holoprosencephaly 4. Last evaluated: 2025-09-02. Review status: criteria provided, single submitter. Criteria: Invitae Variant Classification Sherloc (09022015). Collection method: clinical testing. Allele origin: germline.
Comment: This sequence change replaces arginine, which is basic and polar, with cysteine, which is neutral and slightly polar, at codon 90 of the TGIF1 protein (p.Arg90Cys). This variant is not present in population databases (gnomAD no frequency). This missense change has been observed in individual(s) with holoprosencephaly (PMID: 34440302; internal data). In at least one individual the variant was observed to be de novo. ClinVar contains an entry for this variant (Variation ID: 533431). Invitae Evidence Modeling of protein sequence and biophysical properties (such as structural, functional, and spatial information, amino acid conservation, physicochemical variation, residue mobility, and thermodynamic stability) indicates that this missense variant is not expected to disrupt TGIF1 protein function with a negative predictive value of 80%. Experimental studies have shown that this missense change affects TGIF1 function (PMID: 16962354). For these reasons, this variant has been classified as Pathogenic.

Literature cited by the submitters: PubMed 34440302; PubMed 16962354.